The following is an entry in ClinVar:

NM_000059.4(BRCA2):c.338G>A (p.Arg113Lys)

Gene: BRCA2 (BRCA2 DNA repair associated; plus strand). Cytogenetic location: 13q13.1.
Variant type: single nucleotide variant.
Coding change: c.338G>A on transcript NM_000059.4 (MANE Select); coding-DNA position 338, G replaced by A.
Protein change: p.Arg113Lys; replaces arginine 113 with lysine.
Molecular consequence: missense variant.
Genome position (GRCh38, 1-based): chr13:32,325,097, G>A. VCF-style: chr13-32325097-G-A. GRCh37 (hg19) VCF-style: chr13-32899234-G-A.
Other names: short protein forms R113K.
Identifiers: ClinVar variation 231439 (VCV000231439.23), dbSNP rs876659161, ClinGen allele CA10579454.

ClinVar aggregate classification (germline): Conflicting classifications of pathogenicity. Review status: criteria provided, conflicting classifications (1 of 4 stars). 6 submissions from 6 submitters: Uncertain significance (5); Likely benign (1). Last evaluated 2026-01-27.

Conditions:
Hereditary cancer-predisposing syndrome. Also called: Neoplastic Syndromes, Hereditary; Tumor predisposition; Hereditary Cancer Syndrome; Hereditary neoplastic syndrome. Identifiers: Orphanet 140162, MedGen C0027672, MeSH D009386, MONDO:0015356.
Hereditary breast ovarian cancer syndrome. Also called: BRCA1- and BRCA2-Associated Hereditary Breast and Ovarian Cancer; Hereditary breast and ovarian cancer syndrome; Hereditary breast and ovarian cancer; Hereditary breast and ovarian cancer syndrome (HBOC); Breast and ovarian cancer; Hereditary breast and/or ovarian cancer syndrome. Identifiers: Orphanet 145, MedGen C0677776, MeSH D061325, MONDO:0003582. Disease mechanism: loss of function.

Submissions (6):

Labcorp Genetics (formerly Invitae), Labcorp
Classification: Uncertain significance for Hereditary breast ovarian cancer syndrome. Last evaluated: 2026-01-27. Review status: criteria provided, single submitter. Criteria: Invitae Variant Classification Sherloc (09022015). Collection method: clinical testing. Allele origin: germline.
Comment: This sequence change replaces arginine, which is basic and polar, with lysine, which is basic and polar, at codon 113 of the BRCA2 protein (p.Arg113Lys). This variant is not present in population databases (gnomAD no frequency). This variant has not been reported in the literature in individuals affected with BRCA2-related conditions. ClinVar contains an entry for this variant (Variation ID: 231439). Invitae Evidence Modeling of protein sequence and biophysical properties (such as structural, functional, and spatial information, amino acid conservation, physicochemical variation, residue mobility, and thermodynamic stability) indicates that this missense variant is not expected to disrupt BRCA2 protein function with a negative predictive value of 95%. In summary, the available evidence is currently insufficient to determine the role of this variant in disease. Therefore, it has been classified as a Variant of Uncertain Significance.

Quest Diagnostics Nichols Institute San Juan Capistrano
Classification: Uncertain significance. Last evaluated: 2023-08-29. Review status: criteria provided, single submitter. Criteria: Quest Diagnostics criteria. Collection method: clinical testing. Allele origin: unknown.
Comment: This variant has not been reported in the published literature. It also has not been reported in large, multi-ethnic general populations (Genome Aggregation Database). Analysis of this variant using bioinformatics tools for the prediction of the effect of amino acid changes on protein structure and function yielded predictions that this variant is benign. Based on the available information, we are unable to determine the clinical significance of this variant.

GeneDx
Classification: Uncertain significance. Last evaluated: 2022-06-01. Review status: criteria provided, single submitter. Criteria: GeneDx Variant Classification Process June 2021. Collection method: clinical testing. Allele origin: germline. Affected: yes.
Comment: Not observed at significant frequency in large population cohorts (gnomAD); In silico analysis supports that this missense variant does not alter protein structure/function; Has not been previously published as pathogenic or benign to our knowledge; Also known as 566G>A; This variant is associated with the following publications: (PMID: 25929848, 25925381)

Sema4
Classification: Uncertain significance for Hereditary cancer-predisposing syndrome. Last evaluated: 2021-10-31. Review status: criteria provided, single submitter. Criteria: Sema4 Curation Guidelines. Collection method: curation. Allele origin: germline.
Comment: To the best of our knowledge, the BRCA2 c.338G>A (p.R113K) variant has not been reported in individuals with BRCA2-related disease. It was not observed in the large and broad cohorts of the Genome Aggregation Database. The variant has been reported in ClinVar (Variation ID: 231439). Functional studies have not been performed, and in silico predictions of the variant's effect on protein function are inconclusive. The evidence is insufficient to meet ACMG/AMP criteria for classifying the variant as benign or pathogenic. Thus, the clinical significance of this variant is currently uncertain.

Color Diagnostics, LLC DBA Color Health
Classification: Uncertain significance for Hereditary cancer-predisposing syndrome. Last evaluated: 2019-10-10. Review status: criteria provided, single submitter. Criteria: ACMG Guidelines, 2015. Collection method: clinical testing. Allele origin: germline.
Comment: This missense variant replaces arginine with lysine at codon 113 of the BRCA2 protein. Computational prediction suggests that this variant may not impact protein structure and function (internally defined REVEL score threshold <= 0.5, PMID: 27666373). Splice site prediction tools suggest that this variant may not impact RNA splicing. To our knowledge, functional studies have not been performed for this variant. This variant has not been reported in individuals affected with hereditary cancer in the literature. This variant has not been identified in the general population by the Genome Aggregation Database (gnomAD). The available evidence is insufficient to determine the role of this variant in disease conclusively. Therefore, this variant is classified as a Variant of Uncertain Significance.

Ambry Genetics
Classification: Likely benign for Hereditary cancer-predisposing syndrome. Last evaluated: 2017-05-16. Review status: criteria provided, single submitter. Criteria: Ambry Variant Classification Scheme 2023. Collection method: clinical testing. Allele origin: germline.